The following is an entry in ClinVar:

NM_015261.3(NCAPD3):c.4342C>T (p.Arg1448Trp)

Gene: NCAPD3 (non-SMC condensin II complex subunit D3; minus strand). Cytogenetic location: 11q25.
Variant type: single nucleotide variant.
Coding change: c.4342C>T on transcript NM_015261.3 (MANE Select); coding-DNA position 4342, C replaced by T.
Protein change: p.Arg1448Trp; replaces arginine 1448 with tryptophan.
Molecular consequence: missense variant. On other transcripts: intron variant (1).
Genome position (GRCh38, 1-based): chr11:134,153,186, G>A on the plus strand (C>T on the coding strand, the complement: NCAPD3 is on the minus strand). VCF-style: chr11-134153186-G-A. GRCh37 (hg19) VCF-style: chr11-134023081-G-A.
Other names: c.4342C>T, p.Arg1448Trp (NM_001372068.1); c.3928C>T, p.Arg1310Trp (NM_001372069.1, NM_001372070.1); c.4327+103C>T (NM_001372065.1); short protein forms R1310W, R1448W.
Identifiers: ClinVar variation 4821034 (VCV004821034.5).

ClinVar aggregate classification (germline): Benign/Likely benign. Review status: criteria provided, multiple submitters, no conflicts (2 of 4 stars). 2 submissions from 2 submitters: Benign (1); Likely benign (1). Last evaluated 2026-03-01.

gnomAD v4.1: 1,365 of 1,614,034 alleles (0.085%); highest among the groups gnomAD compares: Middle Eastern, 0.066%; 5 homozygotes.

Submissions (2):

CeGaT Center for Human Genetics Tuebingen
Classification: Benign. Last evaluated: 2026-03-01. Review status: criteria provided, single submitter. Criteria: CeGaT Center For Human Genetics Tuebingen Variant Classification Criteria Version 2. Collection method: clinical testing. Allele origin: germline. Affected: yes. Observed: 1 variant allele.
Comment: NCAPD3: BP4, BS1, BS2

Blueprint Genetics
Classification: Likely benign. Last evaluated: 2024-11-27. Review status: criteria provided, single submitter. Criteria: ACMG Guidelines, 2015. Collection method: clinical testing. Allele origin: germline.